The following is an entry in ClinVar:

ClinVar aggregate classification (germline): Pathogenic/Likely pathogenic. Review status: criteria provided, multiple submitters, no conflicts (2 of 4 stars). 2 submissions from 2 submitters: Pathogenic (1); Likely pathogenic (1). Last evaluated 2024-07-09.

Conditions:
Autosomal recessive limb-girdle muscular dystrophy type 2A (LGMDR1). Also called: Limb-girdle muscular dystrophy, type 2A; Calpainopathy; LEYDEN-MOEBIUS MUSCULAR DYSTROPHY; Muscular dystrophy, limb-girdle, type 2A, Amish; MUSCULAR DYSTROPHY, PELVOFEMORAL. Identifiers: Orphanet 267, MedGen C1869123, MONDO:0009675, OMIM 253600. Disease mechanism: loss of function.

Submissions (2):

Natera, Inc.
Classification: Likely pathogenic for Limb-girdle muscular dystrophy type 2A. Last evaluated: 2024-07-09. Review status: criteria provided, single submitter. Criteria: Natera Variant Classification Schema (03/2026). Collection method: clinical testing. Allele origin: germline.
Comment: The c.346del variant in CAPN3 is a frameshift variant predicted to shift the reading frame beginning at codon 116 and leads to a stop codon 11 codons downstream. This variant is expected to result in nonsense mediated decay, truncation, or a dysfunctional protein product. This variant is rare in the general population with a frequency below the threshold expected for the associated phenotype(s). Given the available evidence, this variant is classified as Likely Pathogenic.

Labcorp Genetics (formerly Invitae), Labcorp
Classification: Pathogenic for Autosomal recessive limb-girdle muscular dystrophy type 2A. Last evaluated: 2022-08-05. Review status: criteria provided, single submitter. Criteria: Invitae Variant Classification Sherloc (09022015). Collection method: clinical testing. Allele origin: germline.
Comment: For these reasons, this variant has been classified as Pathogenic. This variant has not been reported in the literature in individuals affected with CAPN3-related conditions. This variant is not present in population databases (gnomAD no frequency). This sequence change creates a premature translational stop signal (p.Ala116Profs*11) in the CAPN3 gene. It is expected to result in an absent or disrupted protein product. Loss-of-function variants in CAPN3 are known to be pathogenic (PMID: 10330340, 15689361).

Literature cited by the submitters: PubMed 10330340 (cited by Labcorp Genetics (formerly Invitae), Labcorp); PubMed 15689361 (cited by Labcorp Genetics (formerly Invitae), Labcorp).

NM_000070.3(CAPN3):c.346del (p.Ala116fs)

Gene: CAPN3 (calpain 3; plus strand). Cytogenetic location: 15q15.1.
Variant type: Deletion.
Coding change: c.346del on transcript NM_000070.3 (MANE Select); coding-DNA position 346, one base deleted (G; older notation c.346delG).
Protein change: p.Ala116fs; shifts the reading frame from alanine 116.
Molecular consequence: frameshift variant.
Genome position (GRCh38, 1-based): chr15:42,384,519, G deleted. VCF-style (leftmost placement, unchanged base first): chr15-42384518-AG-A. GRCh37 (hg19) VCF-style: chr15-42676716-AG-A.
Other names: c.346del (NM_000070.2); c.346del, p.Ala116fs (NM_024344.2, NM_173087.2); c.85delG, p.Ala29Profs (NM_212464.2, NM_212467.2); short protein forms A116fs.
Identifiers: ClinVar variation 2192001 (VCV002192001.5), dbSNP rs2548252750, ClinGen allele CA2580089399.